The following is an entry in ClinVar:

NM_020806.5(GPHN):c.1666C>T (p.Arg556Ter)

Gene: GPHN (gephyrin; plus strand). Cytogenetic location: 14q23.3.
Variant type: single nucleotide variant.
Coding change: c.1666C>T on transcript NM_020806.5 (MANE Select); coding-DNA position 1666, C replaced by T.
Protein change: p.Arg556Ter; replaces arginine 556 with a stop codon.
Molecular consequence: nonsense.
Genome position (GRCh38, 1-based): chr14:67,122,295, C>T. VCF-style: chr14-67122295-C-T. GRCh37 (hg19) VCF-style: chr14-67589012-C-T.
Other names: c.1567C>T, p.Arg523Ter (NM_001024218.2); c.1726C>T, p.Arg576Ter (NM_001377514.1); c.1696C>T, p.Arg566Ter (NM_001377515.1); c.1687C>T, p.Arg563Ter (NM_001377516.1); c.1639C>T, p.Arg547Ter (NM_001377517.1); c.1624C>T, p.Arg542Ter (NM_001377518.1); c.1606C>T, p.Arg536Ter (NM_001377519.1); short protein forms R556*, R523*, R536*, R542*, R547*, R563*, R566*, R576*.
Identifiers: ClinVar variation 653059 (VCV000653059.9), dbSNP rs1595241291, ClinGen allele CA390259136.

ClinVar aggregate classification (germline): Pathogenic/Likely pathogenic. Review status: criteria provided, multiple submitters, no conflicts (2 of 4 stars). 2 submissions from 2 submitters: Pathogenic (1); Likely pathogenic (1). Last evaluated 2026-03-30.

Conditions:
Sulfite oxidase deficiency due to molybdenum cofactor deficiency type C. Also called: Molybdenum cofactor deficiency, complementation group C; Molybdenum cofactor deficiency C. Identifiers: Orphanet 308400, Orphanet 833, MedGen C1854990, MONDO:0014212, OMIM 615501.

Allele frequency attached by ClinVar (database versions not stated): gnomAD exomes below 0.00001.
gnomAD v4.1: 2 of 1,612,990 alleles (0.00012%); highest among the groups gnomAD compares: Non-Finnish European, 0.00017%; no homozygotes.

Submissions (2):

GeneDx
Classification: Likely pathogenic. Last evaluated: 2026-03-30. Review status: criteria provided, single submitter. Criteria: GeneDx Variant Classification Process June 2021. Collection method: clinical testing. Allele origin: germline.
Comment: Nonsense variant predicted to result in protein truncation or nonsense mediated decay in a gene for which loss of function is a known mechanism of disease; Not observed at significant frequency in large population cohorts (gnomAD); This variant is associated with the following publications: (PMID: 23393157, 26613940, 24561070, 11095995, 23184456, 31440721)

Labcorp Genetics (formerly Invitae), Labcorp
Classification: Pathogenic for Sulfite oxidase deficiency due to molybdenum cofactor deficiency type C. Last evaluated: 2026-01-13. Review status: criteria provided, single submitter. Criteria: Invitae Variant Classification Sherloc (09022015). Collection method: clinical testing. Allele origin: germline.
Comment: This sequence change creates a premature translational stop signal (p.Arg556*) in the GPHN gene. It is expected to result in an absent or disrupted protein product. Loss-of-function variants in GPHN are known to be pathogenic (PMID: 11095995, 23184456, 23393157, 24561070, 26613940). This variant is not present in population databases (gnomAD no frequency). This variant has not been reported in the literature in individuals affected with GPHN-related conditions. ClinVar contains an entry for this variant (Variation ID: 653059). For these reasons, this variant has been classified as Pathogenic.

Literature cited by the submitters: PubMed 11095995 (cited by Labcorp Genetics (formerly Invitae), Labcorp); PubMed 23184456 (cited by Labcorp Genetics (formerly Invitae), Labcorp); PubMed 23393157 (cited by Labcorp Genetics (formerly Invitae), Labcorp); PubMed 24561070 (cited by Labcorp Genetics (formerly Invitae), Labcorp); PubMed 26613940 (cited by Labcorp Genetics (formerly Invitae), Labcorp).